The following is an entry in ClinVar:

ClinVar aggregate classification (germline): Likely benign (1 of 4 stars; one submission).

Conditions:
NPHP4-related disorder. Also called: NPHP4-related condition; NPHP4-related disorders. Identifiers: MedGen CN239384.

Submission:

PreventionGenetics, part of Exact Sciences
Classification: Likely benign for NPHP4-related condition. Last evaluated: 2025-12-23. Review status: criteria provided, single submitter. Criteria: ACMG Guidelines, 2015. Collection method: clinical testing. Allele origin: germline.
Comment: This variant is classified as likely benign based on ACMG/AMP sequence variant interpretation guidelines (Richards et al. 2015 PMID: 25741868, with internal and published modifications).

NM_015102.5(NPHP4):c.-7G>A

Gene: NPHP4 (nephrocystin 4; minus strand). Cytogenetic location: 1p36.31.
Variant type: single nucleotide variant.
Coding change: c.-7G>A on transcript NM_015102.5 (MANE Select); 7 bases upstream of the start codon, G replaced by A.
Molecular consequence: 5 prime UTR variant. On other transcripts: non-coding transcript variant (1), intron variant (1).
Genome position (GRCh38, 1-based): chr1:5,986,296, C>T on the plus strand (G>A on the coding strand, the complement: NPHP4 is on the minus strand). VCF-style: chr1-5986296-C-T. GRCh37 (hg19) VCF-style: chr1-6046356-C-T.
Other names: c.-1236G>A (NM_001291593.2); c.-1088+5948G>A (NM_001291594.2).
Identifiers: ClinVar variation 4977432 (VCV004977432.1).